The following is an entry in ClinVar:

ClinVar aggregate classification (germline): Uncertain significance. Review status: criteria provided, multiple submitters, no conflicts (2 of 4 stars). 3 submissions from 3 submitters: Uncertain significance (2). 1 of the submissions does not count toward it. Last evaluated 2025-07-22.

Conditions:
Usher syndrome type 1B (USH1B). Also called: Usher syndrome type IB. Identifiers: MedGen C1848638, MONDO:0700087.

Allele frequency attached by ClinVar (database versions not stated): gnomAD exomes below 0.00001 and 0.00001; ExAC 0.00001; gnomAD 0.00001; TOPMed 0.00001.
gnomAD v4.1: 9 of 1,612,184 alleles (0.00056%); highest among the groups gnomAD compares: South Asian, 0.0022%; no homozygotes.

Submissions (3):

Labcorp Genetics (formerly Invitae), Labcorp
Classification: Uncertain significance. Last evaluated: 2025-07-22. Review status: criteria provided, single submitter. Criteria: Invitae Variant Classification Sherloc (09022015). Collection method: clinical testing. Allele origin: germline.
Comment: This sequence change replaces arginine, which is basic and polar, with tryptophan, which is neutral and slightly polar, at codon 881 of the MYO7A protein (p.Arg881Trp). This variant is present in population databases (rs781860354, gnomAD 0.01%). This variant has not been reported in the literature in individuals affected with MYO7A-related conditions. ClinVar contains an entry for this variant (Variation ID: 1062304). Invitae Evidence Modeling of protein sequence and biophysical properties (such as structural, functional, and spatial information, amino acid conservation, physicochemical variation, residue mobility, and thermodynamic stability) has been performed for this missense variant. However, the output from this modeling did not meet the statistical confidence thresholds required to predict the impact of this variant on MYO7A protein function. In summary, the available evidence is currently insufficient to determine the role of this variant in disease. Therefore, it has been classified as a Variant of Uncertain Significance.

Blueprint Genetics
Classification: Uncertain significance. Last evaluated: 2023-05-09. Review status: criteria provided, single submitter. Criteria: ACMG Guidelines, 2015. Collection method: clinical testing. Allele origin: germline.

Natera, Inc.
Classification: Uncertain significance for Usher syndrome type 1B. Last evaluated: 2021-04-28. Review status: no assertion criteria provided. Collection method: clinical testing. Allele origin: germline. Not counted in ClinVar's aggregate classification.

NM_000260.4(MYO7A):c.2641C>T (p.Arg881Trp)

Gene: MYO7A (myosin VIIA; plus strand). Cytogenetic location: 11q13.5.
Variant type: single nucleotide variant.
Coding change: c.2641C>T on transcript NM_000260.4 (MANE Select); coding-DNA position 2641, C replaced by T.
Protein change: p.Arg881Trp; replaces arginine 881 with tryptophan.
Molecular consequence: missense variant.
Genome position (GRCh38, 1-based): chr11:77,180,428, C>T. VCF-style: chr11-77180428-C-T. GRCh37 (hg19) VCF-style: chr11-76891474-C-T.
Other names: c.2641C>T, p.Arg881Trp (NM_001127180.2); c.2608C>T, p.Arg870Trp (NM_001369365.1); short protein forms R870W, R881W.
Identifiers: ClinVar variation 1062304 (VCV001062304.9), dbSNP rs781860354, ClinGen allele CA6197885.